The following is an entry in ClinVar:

NM_005186.4(CAPN1):c.1303G>A (p.Gly435Ser)

Gene: CAPN1 (calpain 1; plus strand). Cytogenetic location: 11q13.1.
Variant type: single nucleotide variant.
Coding change: c.1303G>A on transcript NM_005186.4 (MANE Select); coding-DNA position 1303, G replaced by A.
Protein change: p.Gly435Ser; replaces glycine 435 with serine.
Molecular consequence: missense variant. On other transcripts: non-coding transcript variant (1).
Genome position (GRCh38, 1-based): chr11:65,204,820, G>A. VCF-style: chr11-65204820-G-A. GRCh37 (hg19) VCF-style: chr11-64972291-G-A.
Other names: c.1303G>A, p.Gly435Ser (NM_001198868.2, NM_001198869.2); c.1141G>A, p.Gly381Ser (NM_001198870.1); short protein forms G381S, G435S.
Identifiers: ClinVar variation 2641949 (VCV002641949.25), dbSNP rs370474989, ClinGen allele CA6093360.
Genomic context (GRCh38, chr11:65,204,820, plus strand): 5'-TCAGGCTGCAGCTTCGTGCTCGCCCTTATGCAGAAGCACCGTCGCCGCGAGCGCCGCTTC[G>A]GCCGCGACATGGAGACTATTGGCTTCGCGGTCTACGAGGTCAGGAGGGTGGATCACCGGT-3'
Protein context (NP_005177.2, residues 425-445): QKHRRRERRF[Gly435Ser]RDMETIGFAV

ClinVar aggregate classification (germline): Uncertain significance. Review status: criteria provided, multiple submitters, no conflicts (2 of 4 stars). 2 submissions from 2 submitters: Uncertain significance (2). Last evaluated 2025-06-30.

Allele frequency attached by ClinVar (database versions not stated): gnomAD 0.00001; ExAC 0.00002; TOPMed 0.00002; ESP Exome Variant Server 0.00016.
gnomAD v4.1: 10 of 1,612,072 alleles (0.00062%); highest among the groups gnomAD compares: African/African-American, 0.0053%; no homozygotes.

Submissions (2):

Labcorp Genetics (formerly Invitae), Labcorp
Classification: Uncertain significance. Last evaluated: 2025-06-30. Review status: criteria provided, single submitter. Criteria: Invitae Variant Classification Sherloc (09022015). Collection method: clinical testing. Allele origin: germline.
Comment: This sequence change replaces glycine, which is neutral and non-polar, with serine, which is neutral and polar, at codon 435 of the CAPN1 protein (p.Gly435Ser). This variant is present in population databases (rs370474989, gnomAD 0.01%). This variant has not been reported in the literature in individuals affected with CAPN1-related conditions. ClinVar contains an entry for this variant (Variation ID: 2641949). Invitae Evidence Modeling of protein sequence and biophysical properties (such as structural, functional, and spatial information, amino acid conservation, physicochemical variation, residue mobility, and thermodynamic stability) indicates that this missense variant is expected to disrupt CAPN1 protein function with a positive predictive value of 80%. In summary, the available evidence is currently insufficient to determine the role of this variant in disease. Therefore, it has been classified as a Variant of Uncertain Significance.

CeGaT Center for Human Genetics Tuebingen
Classification: Uncertain significance. Last evaluated: 2023-09-01. Review status: criteria provided, single submitter. Criteria: CeGaT Center For Human Genetics Tuebingen Variant Classification Criteria Version 2. Collection method: clinical testing. Allele origin: germline. Affected: yes. Observed: 1 variant allele.
Comment: CAPN1: PM2, PP2